The following is an entry in ClinVar:

NM_001267550.2(TTN):c.40433A>G (p.Glu13478Gly)

Gene: TTN (titin; minus strand). Cytogenetic location: 2q31.2.
Variant type: single nucleotide variant.
Coding change: c.40433A>G on transcript NM_001267550.2 (MANE Select); coding-DNA position 40433, A replaced by G.
Protein change: p.Glu13478Gly; replaces glutamic acid 13478 with glycine.
Molecular consequence: missense variant. On other transcripts: intron variant (3).
Genome position (GRCh38, 1-based): chr2:178,644,592, T>C on the plus strand (A>G on the coding strand, the complement: TTN is on the minus strand). VCF-style: chr2-178644592-T-C. GRCh37 (hg19) VCF-style: chr2-179509319-T-C.
Other names: p.Glu11837Gly; c.35510A>G, p.Glu11837Gly (NM_001256850.1); c.32729A>G, p.Glu10910Gly (NM_133378.4); c.13283-2275A>G (NM_003319.4); c.13859-2275A>G (NM_133437.4); c.13658-2275A>G (NM_133432.3); short protein forms E10910G, E11837G, E13478G.
Identifiers: ClinVar variation 4684614 (VCV004684614.1).
Genomic context (GRCh38, chr2:178,644,592, plus strand): 5'-TCAGCCTGTGAAATACCTTTCAGAGGTGTAAGCTCCACTTTTTCTGGAACCTGAGGTTTT[T>C]CAGGAACTTTCTTCTTTGGAATAGCTTTAAAGAATATGATTTTACTTTTGTTATTTGTAT-3'
Protein context (NP_001254479.2, residues 13468-13488): LKAIPKKKVP[Glu13478Gly]KPQVPEKVEL

ClinVar aggregate classification (germline): Likely benign (1 of 4 stars; one submission).

gnomAD v4.1: 20 of 1,575,848 alleles (0.0013%); highest among the groups gnomAD compares: East Asian, 0.03%; no homozygotes.

Submission:

Mayo Clinic Laboratories, Mayo Clinic
Classification: Likely benign. Last evaluated: 2024-11-01. Review status: criteria provided, single submitter. Criteria: ACMG Guidelines, 2015. Collection method: clinical testing. Allele origin: germline. Observed: 1 variant allele.
Comment: BP1, BP4